The following is an entry in ClinVar:

NM_001330700.2(TOP2B):c.3427T>G (p.Phe1143Val)

Gene: TOP2B (DNA topoisomerase II beta; minus strand). Cytogenetic location: 3p24.2.
Variant type: single nucleotide variant.
Coding change: c.3427T>G on transcript NM_001330700.2 (MANE Select); coding-DNA position 3427, T replaced by G.
Protein change: p.Phe1143Val; replaces phenylalanine 1143 with valine.
Molecular consequence: missense variant.
Genome position (GRCh38, 1-based): chr3:25,615,511, A>C on the plus strand (T>G on the coding strand, the complement: TOP2B is on the minus strand). VCF-style: chr3-25615511-A-C. GRCh37 (hg19) VCF-style: chr3-25657002-A-C.
Other names: c.3412T>G, p.Phe1138Val (NM_001068.3); short protein forms F1143V, F1138V.
Identifiers: ClinVar variation 3663525 (VCV003663525.2).

ClinVar aggregate classification (germline): Uncertain significance (1 of 4 stars; one submission).

Submission:

Labcorp Genetics (formerly Invitae), Labcorp
Classification: Uncertain significance. Last evaluated: 2024-09-03. Review status: criteria provided, single submitter. Criteria: Invitae Variant Classification Sherloc (09022015). Collection method: clinical testing. Allele origin: germline.
Comment: This sequence change replaces phenylalanine, which is neutral and non-polar, with valine, which is neutral and non-polar, at codon 1138 of the TOP2B protein (p.Phe1138Val). This variant is not present in population databases (gnomAD no frequency). This variant has not been reported in the literature in individuals affected with TOP2B-related conditions. An algorithm developed to predict the effect of missense changes on protein structure and function (PolyPhen-2) suggests that this variant is likely to be disruptive. In summary, the available evidence is currently insufficient to determine the role of this variant in disease. Therefore, it has been classified as a Variant of Uncertain Significance.